The following is an entry in ClinVar:

ClinVar aggregate classification (germline): Uncertain significance (1 of 4 stars; one submission).

Submission:

Medical Genetic Center, Changzhi Maternal and Child Health Care Hospital
Classification: Uncertain significance. Last evaluated: 2025-12-10. Review status: criteria provided, single submitter. Criteria: ACMG/ClinGen CNV Guidelines, 2019. Collection method: clinical testing. Allele origin: unknown.

GRCh38/hg38 7q36.3(chr7:158576335-159327017)x1

Genes: MIR5707 (microRNA 5707; plus strand), DYNC2I1 (dynein 2 intermediate chain 1; plus strand), ESYT2 (extended synaptotagmin 2; minus strand), LINC00689 (long intergenic non-protein coding RNA 689; plus strand), LINC01022 (long intergenic non-protein coding RNA 1022; plus strand) and 30 more. Cytogenetic location: 7q36.3.
Variant type: copy number loss.
Change: copy number 1 (one copy instead of two) of chr7:158,576,335-159,327,017 (750.7 kb, GRCh38 coordinates, 1-based), cytogenetic band 7q36.3.
Identifiers: ClinVar variation 4796333 (VCV004796333.1).